The following is an entry in ClinVar:

NM_138694.4(PKHD1):c.4141del (p.Val1381fs)

Gene: PKHD1 (PKHD1 ciliary IPT domain containing fibrocystin/polyductin; minus strand). Cytogenetic location: 6p12.2.
Variant type: Deletion.
Coding change: c.4141del on transcript NM_138694.4 (MANE Select); coding-DNA position 4141, one base deleted (G; older notation c.4141delG).
Protein change: p.Val1381fs; shifts the reading frame from valine 1381.
Molecular consequence: frameshift variant.
Genome position (GRCh38, 1-based): chr6:52,025,669, C deleted on the plus strand (G on the coding strand, the reverse complement: PKHD1 is on the minus strand); the first of 2 consecutive C bases (chr6:52,025,669-52,025,670); deleting either gives the same sequence. VCF-style (leftmost placement, unchanged base first): chr6-52025668-AC-A. GRCh37 (hg19) VCF-style: chr6-51890466-AC-A.
Other names: c.4141del, p.Val1381fs (NM_170724.3); short protein forms V1381fs.
Identifiers: ClinVar variation 371324 (VCV000371324.13), dbSNP rs778537772, ClinGen allele CA3852770.

ClinVar aggregate classification (germline): Pathogenic/Likely pathogenic. Review status: criteria provided, multiple submitters, no conflicts (2 of 4 stars). 6 submissions from 6 submitters: Pathogenic (3); Likely pathogenic (2). 1 of the submissions does not count toward it. Last evaluated 2025-10-21.

Conditions:
Kidney failure. Identifiers: MedGen C0035078, MONDO:0001106.
Polycystic kidney disease 4 (PKD4). Also called: POLYCYSTIC KIDNEY DISEASE 4 WITH OR WITHOUT POLYCYSTIC LIVER DISEASE; Autosomal Recessive Polycystic Kidney Disease – PKHD1; POLYCYSTIC KIDNEY AND HEPATIC DISEASE 1; POLYCYSTIC KIDNEY DISEASE, INFANTILE, TYPE I; PKD3. Identifiers: MedGen C4540575, MONDO:0033004, OMIM 263200.
Autosomal recessive polycystic kidney disease (ARPKD). Also called: AR polycystic kidney disease. Identifiers: Orphanet 731, Orphanet 8378, MedGen C0085548, MeSH D017044, MONDO:0009889.

Submissions (6):

Natera, Inc.
Classification: Likely pathogenic for Autosomal recessive polycystic kidney disease. Last evaluated: 2025-10-21. Review status: criteria provided, single submitter. Criteria: Natera Variant Classification Schema (03/2026). Collection method: clinical testing. Allele origin: germline.
Comment: The c.4141delG variant in PKHD1 is a frameshift variant predicted to shift the reading frame beginning at codon 1381 and leads to a stop codon 7 codons downstream. This variant is expected to result in nonsense mediated decay, truncation, or a dysfunctional protein product. This variant is rare in the general population with a frequency below the threshold expected for the associated phenotype(s). Given the available evidence, this variant is classified as Likely Pathogenic.

Labcorp Genetics (formerly Invitae), Labcorp
Classification: Pathogenic for Autosomal recessive polycystic kidney disease. Last evaluated: 2024-01-31. Review status: criteria provided, single submitter. Criteria: Invitae Variant Classification Sherloc (09022015). Collection method: clinical testing. Allele origin: germline.
Comment: This sequence change creates a premature translational stop signal (p.Val1381Cysfs*7) in the PKHD1 gene. It is expected to result in an absent or disrupted protein product. Loss-of-function variants in PKHD1 are known to be pathogenic (PMID: 19940839). This variant is present in population databases (rs778537772, gnomAD 0.0009%). This variant has not been reported in the literature in individuals affected with PKHD1-related conditions. ClinVar contains an entry for this variant (Variation ID: 371324). Algorithms developed to predict the effect of sequence changes on RNA splicing suggest that this variant may create or strengthen a splice site. For these reasons, this variant has been classified as Pathogenic.

Baylor Genetics
Classification: Likely pathogenic for Polycystic kidney disease 4. Last evaluated: 2023-02-01. Review status: criteria provided, single submitter. Criteria: ACMG Guidelines, 2015. Collection method: clinical testing. Allele origin: unknown.

AURAGEN, Plan France Médecine Génomique
Classification: Pathogenic for Kidney failure. Last evaluated: 2022-03-08. Review status: criteria provided, single submitter. Criteria: PFMG2025 (Lancet Reg Health Eur. 2025). Collection method: clinical testing. Allele origin: germline. Affected: yes.

GeneDx
Classification: Pathogenic. Last evaluated: 2017-03-21. Review status: criteria provided, single submitter. Criteria: GeneDx Variant Classification (06012015). Collection method: clinical testing. Allele origin: germline. Affected: yes.
Comment: The c.4141delG variant in the PKHD1 gene has not been reported previously as a pathogenic variant nor as a benign variant, to our knowledge. The c.4141delG variant causes a frameshift starting with codon Valine 1381, changes this amino acid to a Cysteine residue, and creates a premature Stop codon at position 7 of the new reading frame, denoted p.Val1381CysfsX7. This variant is predicted to cause loss of normal protein function either through protein truncation or nonsense-mediated mRNA decay. The c.4141delG variant is not observed at a significant frequency in large population cohorts (Lek et al., 2016; 1000 Genomes Consortium et al., 2015; Exome Variant Server). We interpret c.4141delG as a pathogenic variant.

Counsyl
Classification: Likely pathogenic for Polycystic kidney disease 4. Last evaluated: 2016-08-30. Review status: no assertion criteria provided. Collection method: clinical testing. Allele origin: unknown. Not counted in ClinVar's aggregate classification.

Literature cited by the submitters: PubMed 19940839 (cited by Labcorp Genetics (formerly Invitae), Labcorp).